The following is an entry in ClinVar:

ClinVar aggregate classification (germline): Uncertain significance. Review status: criteria provided, multiple submitters, no conflicts (2 of 4 stars). 2 submissions from 2 submitters: Uncertain significance (2). Last evaluated 2024-07-26.

Conditions:
Hereditary cancer-predisposing syndrome. Also called: Neoplastic Syndromes, Hereditary; Tumor predisposition; Hereditary Cancer Syndrome; Hereditary neoplastic syndrome. Identifiers: Orphanet 140162, MedGen C0027672, MeSH D009386, MONDO:0015356.
Familial adenomatous polyposis 1 (FAP1). Also called: FAMILIAL ADENOMATOUS POLYPOSIS 1, ATTENUATED; POLYPOSIS, ADENOMATOUS INTESTINAL. Identifiers: MedGen C2713442, MONDO:0021056, OMIM 175100. Disease mechanism: loss of function.

Submissions (2):

Color Diagnostics, LLC DBA Color Health
Classification: Uncertain significance for Hereditary cancer-predisposing syndrome. Last evaluated: 2024-07-26. Review status: criteria provided, single submitter. Criteria: ACMG Guidelines, 2015. Collection method: clinical testing. Allele origin: germline.
Comment: This missense variant replaces alanine with valine at codon 740 of the APC protein. Computational prediction suggests that this variant may not impact protein structure and function (internally defined REVEL score threshold <= 0.5, PMID: 27666373). To our knowledge, functional studies have not been reported for this variant. This variant has not been reported in individuals affected with APC-related disorders in the literature. This variant has not been identified in the general population by the Genome Aggregation Database (gnomAD). The available evidence is insufficient to determine the role of this variant in disease conclusively. Therefore, this variant is classified as a Variant of Uncertain Significance.

Labcorp Genetics (formerly Invitae), Labcorp
Classification: Uncertain significance for Familial adenomatous polyposis 1. Last evaluated: 2024-04-03. Review status: criteria provided, single submitter. Criteria: Invitae Variant Classification Sherloc (09022015). Collection method: clinical testing. Allele origin: germline.
Comment: This sequence change replaces alanine, which is neutral and non-polar, with valine, which is neutral and non-polar, at codon 740 of the APC protein (p.Ala740Val). This variant is not present in population databases (gnomAD no frequency). This variant has not been reported in the literature in individuals affected with APC-related conditions. Advanced modeling of protein sequence and biophysical properties (such as structural, functional, and spatial information, amino acid conservation, physicochemical variation, residue mobility, and thermodynamic stability) performed at Invitae indicates that this missense variant is not expected to disrupt APC protein function with a negative predictive value of 95%. In summary, the available evidence is currently insufficient to determine the role of this variant in disease. Therefore, it has been classified as a Variant of Uncertain Significance.

NM_000038.6(APC):c.2219C>T (p.Ala740Val)

Gene: APC (APC regulator of Wnt signaling pathway; plus strand). Cytogenetic location: 5q22.2.
Variant type: single nucleotide variant.
Coding change: c.2219C>T on transcript NM_000038.6 (MANE Select); coding-DNA position 2219, C replaced by T.
Protein change: p.Ala740Val; replaces alanine 740 with valine.
Molecular consequence: missense variant. On other transcripts: non-coding transcript variant (2).
Genome position (GRCh38, 1-based): chr5:112,837,813, C>T. VCF-style: chr5-112837813-C-T. GRCh37 (hg19) VCF-style: chr5-112173510-C-T.
Other names: c.2219C>T, p.Ala740Val (NM_001127510.3, NM_001354895.2, NM_001407450.1); c.2165C>T, p.Ala722Val (NM_001127511.3); c.2273C>T, p.Ala758Val (NM_001354896.2, NM_001407447.1, NM_001407448.1 and 1 more transcripts); c.2249C>T, p.Ala750Val (NM_001354897.2); c.2144C>T, p.Ala715Val (NM_001354898.2); c.2135C>T, p.Ala712Val (NM_001354899.2); c.2096C>T, p.Ala699Val (NM_001354900.2); c.2042C>T, p.Ala681Val (NM_001354901.2, NM_001407453.1); and 11 more; short protein forms A580V, A614V, A649V, A657V, A681V, A750V, A758V, A356V.
Identifiers: ClinVar variation 2774821 (VCV002774821.4), dbSNP rs2149863611, ClinGen allele CA16026197.